The following is an entry in ClinVar:

ClinVar aggregate classification (germline): Uncertain significance (1 of 4 stars; one submission).

Conditions:
Episodic ataxia type 2 (EA2). Also called: CEREBELLAR ATAXIA, PAROXYSMAL, ACETAZOLAMIDE-RESPONSIVE; CEREBELLOPATHY, HEREDITARY PAROXYSMAL; EPISODIC ATAXIA, NYSTAGMUS-ASSOCIATED; ACETAZOLAMIDE-RESPONSIVE HEREDITARY PAROXYSMAL CEREBELLAR ATAXIA; ATAXIA, EPISODIC, WITH NYSTAGMUS; ATAXIA, FAMILIAL PAROXYSMAL. Identifiers: Orphanet 97, MedGen C1720416, MONDO:0007163, OMIM 108500.
Developmental and epileptic encephalopathy, 42 (DEE42A). Also called: Epileptic encephalopathy, early infantile, 42; DEVELOPMENTAL AND EPILEPTIC ENCEPHALOPATHY 42A; EPILEPTIC ENCEPHALOPATHY, EARLY INFANTILE, 42A. Identifiers: MedGen C4310716, MONDO:0014917, OMIM 617106.

Allele frequency attached by ClinVar (database versions not stated): gnomAD exomes below 0.00001.
gnomAD v4.1: 1 of 1,606,822 alleles (0.000062%); highest among the groups gnomAD compares: East Asian, 0.0022%; no homozygotes.

Submission:

Labcorp Genetics (formerly Invitae), Labcorp
Classification: Uncertain significance for Developmental and epileptic encephalopathy, 42; Episodic ataxia type 2. Last evaluated: 2023-01-05. Review status: criteria provided, single submitter. Criteria: Invitae Variant Classification Sherloc (09022015). Collection method: clinical testing. Allele origin: germline.
Comment: This variant has not been reported in the literature in individuals affected with CACNA1A-related conditions. In summary, the available evidence is currently insufficient to determine the role of this variant in disease. Therefore, it has been classified as a Variant of Uncertain Significance. Variants that disrupt the consensus splice site are a relatively common cause of aberrant splicing (PMID: 17576681, 9536098). Algorithms developed to predict the effect of sequence changes on RNA splicing suggest that this variant is not likely to affect RNA splicing. This variant is not present in population databases (gnomAD no frequency). This sequence change falls in intron 25 of the CACNA1A gene. It does not directly change the encoded amino acid sequence of the CACNA1A protein. It affects a nucleotide within the consensus splice site.

Literature cited by the submitters: PubMed 17576681; PubMed 9536098.

NM_001127222.2(CACNA1A):c.4090-3C>T

Genes: CACNA1A (calcium voltage-gated channel subunit alpha1 A; minus strand), LOC126862864 (MED14-independent group 3 enhancer GRCh37_chr19:13371552-13372751; plus strand). Cytogenetic location: 19p13.13.
Variant type: single nucleotide variant.
Coding change: c.4090-3C>T on transcript NM_001127222.2 (MANE Select); 3 bases into the intron before coding-DNA position 4090, C replaced by T.
Molecular consequence: intron variant.
Genome position (GRCh38, 1-based): chr19:13,261,613, G>A on the plus strand (C>T on the coding strand, the complement: CACNA1A is on the minus strand). VCF-style: chr19-13261613-G-A. GRCh37 (hg19) VCF-style: chr19-13372427-G-A.
Other names: c.4093-3C>T (NM_001127221.2, NM_001174080.2); c.4102-3C>T (NM_000068.4, NM_023035.3).
Identifiers: ClinVar variation 2935614 (VCV002935614.3), dbSNP rs1555745158, ClinGen allele CA2582826889.